The following is an entry in ClinVar:

NM_000329.3(RPE65):c.1330C>T (p.Pro444Ser)

Gene: RPE65 (retinoid isomerohydrolase RPE65; minus strand). Cytogenetic location: 1p31.3.
Variant type: single nucleotide variant.
Coding change: c.1330C>T on transcript NM_000329.3 (MANE Select); coding-DNA position 1330, C replaced by T.
Protein change: p.Pro444Ser; replaces proline 444 with serine.
Molecular consequence: missense variant.
Genome position (GRCh38, 1-based): chr1:68,431,290, G>A on the plus strand (C>T on the coding strand, the complement: RPE65 is on the minus strand). VCF-style: chr1-68431290-G-A. GRCh37 (hg19) VCF-style: chr1-68896973-G-A.
Other names: c.1222C>T, p.Pro408Ser (NM_001406853.1); c.1054C>T, p.Pro352Ser (NM_001406856.1, NM_001406857.1); short protein forms P408S, P352S, P444S.
Identifiers: ClinVar variation 5004337 (VCV005004337.1).

ClinVar aggregate classification (germline): Uncertain significance (1 of 4 stars; one submission).

Conditions:
RPE65-related recessive retinopathy. Also called: Recessive RPE65 retinopathy. Identifiers: MedGen CN305526, MONDO:0100368.

Submission:

Myriad Genetics, Inc.
Classification: Uncertain significance for RPE65-related recessive retinopathy. Last evaluated: 2025-12-18. Review status: criteria provided, single submitter. Criteria: Myriad Autosomal Dominant, Autosomal Recessive and X-Linked Classification Criteria (2023). Collection method: clinical testing. Allele origin: unknown.
Comment: NM_000329.2(RPE65):c.1330C>T(P444S) is a missense variant classified as a variant of uncertain significance in the context of inherited retinal dystrophy, RPE65-related. P444S has been observed in a case with relevant disease (PMID: 38002999). Relevant functional assessments of this variant are not available in the literature. P444S has not been observed in referenced population frequency databases. In summary, there is insufficient evidence to classify NM_000329.2(RPE65):c.1330C>T(P444S) as pathogenic or benign. Please note: this variant was assessed in the context of healthy population screening.

Literature cited by the submitters: PubMed 38002999.